The following is an entry in ClinVar:

ClinVar aggregate classification (germline): Likely benign. Review status: criteria provided, multiple submitters, no conflicts (2 of 4 stars). 4 submissions from 4 submitters: Likely benign (4). Last evaluated 2026-07-01.

Conditions:
Inborn genetic diseases. Identifiers: MedGen C0950123, MeSH D030342.
Hereditary spastic paraplegia 47. Also called: Spastic paraplegia 47, autosomal recessive; CEREBRAL PALSY, SPASTIC QUADRIPLEGIC, 5; adaptor protein 4 (AP-4) deficiency syndrome. Identifiers: Orphanet 280763, MedGen C3279738, MONDO:0013551, OMIM 614066.

Allele frequency attached by ClinVar (database versions not stated): gnomAD exomes 0.00004 and 0.00016; 1000 Genomes Project 30x 0.00016; ExAC 0.00017; 1000 Genomes Project 0.00020; gnomAD 0.00046 and 0.00050; TOPMed 0.00051; ESP Exome Variant Server 0.00085.

Submissions (4):

CeGaT Center for Human Genetics Tuebingen
Classification: Likely benign. Last evaluated: 2026-07-01. Review status: criteria provided, single submitter. Criteria: CeGaT Center For Human Genetics Tuebingen Variant Classification Criteria Version 2. Collection method: clinical testing. Allele origin: germline. Affected: yes. Observed: 1 variant allele.
Comment: AP4B1: BP4, BP7

Labcorp Genetics (formerly Invitae), Labcorp
Classification: Likely benign for Hereditary spastic paraplegia 47. Last evaluated: 2025-06-12. Review status: criteria provided, single submitter. Criteria: Invitae Variant Classification Sherloc (09022015). Collection method: clinical testing. Allele origin: germline.

Genome-Nilou Lab
Classification: Likely benign for Hereditary spastic paraplegia 47. Last evaluated: 2023-04-11. Review status: criteria provided, single submitter. Criteria: ACMG Guidelines, 2015. Collection method: clinical testing. Allele origin: germline. Affected: no.

Ambry Genetics
Classification: Likely benign for Inborn genetic diseases. Last evaluated: 2017-02-15. Review status: criteria provided, single submitter. Criteria: Ambry Variant Classification Scheme 2023. Collection method: clinical testing. Allele origin: germline.

NM_001253852.3(AP4B1):c.570A>G (p.Glu190=)

Gene: AP4B1 (adaptor related protein complex 4 subunit beta 1; minus strand). Cytogenetic location: 1p13.2.
Variant type: single nucleotide variant.
Coding change: c.570A>G on transcript NM_001253852.3 (MANE Select); coding-DNA position 570, A replaced by G.
Protein change: p.Glu190=; no amino-acid change (glutamic acid 190 retained).
Molecular consequence: synonymous variant. On other transcripts: intron variant (1).
Genome position (GRCh38, 1-based): chr1:113,901,283, T>C on the plus strand (A>G on the coding strand, the complement: AP4B1 is on the minus strand). VCF-style: chr1-113901283-T-C. GRCh37 (hg19) VCF-style: chr1-114443905-T-C.
Other names: c.273A>G, p.Glu91= (NM_001253853.3); c.570A>G, p.Glu190= (NM_006594.5); c.114-883A>G (NM_001308312.2).
Identifiers: ClinVar variation 588790 (VCV000588790.15), dbSNP rs139775124, ClinGen allele CA1016070.
Genomic context (GRCh38, chr1:113,901,283, plus strand): 5'-GAGGCATCCAAACCGATTTAAGAGATGGTGAGCAATGGGCTTATTGATGACAACGCCTCC[T>C]TCCTGTTTCAGAATTTCCTCTAGAGACCTCAAGCAGTTCACAACTACAATTGGATCCTGG-3'
Protein context (NP_001240781.1, residues 180-200): LRSLEEILKQ[Glu190=]GGVVINKPIA